The following is an entry in ClinVar:

NM_000238.4(KCNH2):c.2381T>G (p.Val794Gly)

Gene: KCNH2 (potassium voltage-gated channel subfamily H member 2; minus strand). Cytogenetic location: 7q36.1.
Variant type: single nucleotide variant.
Coding change: c.2381T>G on transcript NM_000238.4 (MANE Select); coding-DNA position 2381, T replaced by G.
Protein change: p.Val794Gly; replaces valine 794 with glycine.
Molecular consequence: missense variant. On other transcripts: non-coding transcript variant (2).
Genome position (GRCh38, 1-based): chr7:150,950,185, A>C on the plus strand (T>G on the coding strand, the complement: KCNH2 is on the minus strand). VCF-style: chr7-150950185-A-C. GRCh37 (hg19) VCF-style: chr7-150647273-A-C.
Other names: c.1361T>G, p.Val454Gly (NM_001204798.2, NM_172057.3); c.2093T>G, p.Val698Gly (NM_001406753.1, NM_001406756.1); c.2204T>G, p.Val735Gly (NM_001406755.1); c.2081T>G, p.Val694Gly (NM_001406757.1); c.2381T>G, p.Val794Gly (NM_172056.3); short protein forms V454G, V694G, V698G, V735G, V794G.
Identifiers: ClinVar variation 3386892 (VCV003386892.1).

ClinVar aggregate classification (germline): Uncertain significance (1 of 4 stars; one submission).

Conditions:
Long QT syndrome (LQTS). Identifiers: MedGen C0023976, MeSH D008133, MONDO:0002442. Disease mechanism: loss of function. Inheritance: Various modes of inheritance.

Submission:

All of Us Research Program, National Institutes of Health
Classification: Uncertain significance for Long QT syndrome. Last evaluated: 2024-08-06. Review status: criteria provided, single submitter. Criteria: ACMG Guidelines, 2015. Collection method: clinical testing. Allele origin: germline. Inheritance: Autosomal dominant inheritance. Observed: 1 variant allele, 1 heterozygote.
Comment: This study involves interpretation of variants in research participants for the purpose of population health screening. Participant phenotype was not available at the time of variant classification. Additional details can be found in publication PMID: 35346344, PMCID: PMC8962531